The following is an entry in ClinVar:

ClinVar aggregate classification (germline): Conflicting classifications of pathogenicity. Review status: criteria provided, conflicting classifications (1 of 4 stars). 2 submissions from 2 submitters: Uncertain significance (1); Likely benign (1). Last evaluated 2025-04-19.

Conditions:
Glomerulopathy with fibronectin deposits 2 (GFND2). Identifiers: Orphanet 84090, MedGen C1866075, MONDO:0011165, OMIM 601894.
Spondylometaphyseal dysplasia - Sutcliffe type. Also called: Spondylometaphyseal dysplasia, 'corner fracture' type; Spondylometaphyseal Dysplasia, Corner Fracture Type; Sutcliffe type of spondylometaphyseal dysplasia; Sutcliffe SMD. Identifiers: Orphanet 93315, MedGen C0432221, MONDO:0008479, OMIM 184255.

Allele frequency attached by ClinVar (database versions not stated): ExAC 0.00002; gnomAD 0.00003 and 0.00004; gnomAD exomes 0.00004 and 0.00009; TOPMed 0.00005.
gnomAD v4.1: 129 of 1,613,530 alleles (0.008%); highest among the groups gnomAD compares: Non-Finnish European, 0.01%; no homozygotes.

Submissions (2):

Labcorp Genetics (formerly Invitae), Labcorp
Classification: Uncertain significance. Last evaluated: 2025-04-19. Review status: criteria provided, single submitter. Criteria: Invitae Variant Classification Sherloc (09022015). Collection method: clinical testing. Allele origin: germline.
Comment: This sequence change replaces arginine, which is basic and polar, with histidine, which is basic and polar, at codon 2001 of the FN1 protein (p.Arg2001His). This variant is present in population databases (rs749462589, gnomAD 0.006%). This variant has not been reported in the literature in individuals affected with FN1-related conditions. ClinVar contains an entry for this variant (Variation ID: 1392753). An algorithm developed to predict the effect of missense changes on protein structure and function outputs the following: PolyPhen-2: "Benign". The histidine amino acid residue is found in multiple mammalian species, which suggests that this missense change does not adversely affect protein function. In summary, the available evidence is currently insufficient to determine the role of this variant in disease. Therefore, it has been classified as a Variant of Uncertain Significance.

Fulgent Genetics
Classification: Likely benign for Spondylometaphyseal dysplasia - Sutcliffe type; Glomerulopathy with fibronectin deposits 2. Last evaluated: 2024-06-17. Review status: criteria provided, single submitter. Criteria: ACMG Guidelines, 2015. Collection method: clinical testing. Allele origin: germline.

NM_212482.4(FN1):c.6002G>A (p.Arg2001His)

Genes: FN1 (fibronectin 1; minus strand), LOC126806496 (CDK7 strongly-dependent group 2 enhancer GRCh37_chr2:216240057-216241256; plus strand). Cytogenetic location: 2q35.
Variant type: single nucleotide variant.
Coding change: c.6002G>A on transcript NM_212482.4 (MANE Select); coding-DNA position 6002, G replaced by A.
Protein change: p.Arg2001His; replaces arginine 2001 with histidine.
Molecular consequence: missense variant.
Genome position (GRCh38, 1-based): chr2:215,375,369, C>T on the plus strand (G>A on the coding strand, the complement: FN1 is on the minus strand). VCF-style: chr2-215375369-C-T. GRCh37 (hg19) VCF-style: chr2-216240092-C-T.
Other names: c.6002G>A, p.Arg2001His (NM_001306129.2); c.5732G>A, p.Arg1911His (NM_001306130.2, NM_001365517.2, NM_001365519.2 and 2 more transcripts); c.5459G>A, p.Arg1820His (NM_001306131.2, NM_001306132.2, NM_001365523.2 and 2 more transcripts); c.5729G>A, p.Arg1910His (NM_001365518.2, NM_001365520.2, NM_001365524.2 and 2 more transcripts); short protein forms R1820H, R2001H, R1910H, R1911H.
Identifiers: ClinVar variation 1392753 (VCV001392753.8), dbSNP rs749462589, ClinGen allele CA2093964.